The following is an entry in ClinVar:

ClinVar aggregate classification (germline): Pathogenic (1 of 4 stars; one submission).

Conditions:
Retinoblastoma (RB1). Also called: RETINOBLASTOMA, SOMATIC. Identifiers: Orphanet 790, MedGen C0035335, MeSH D012175, MONDO:0008380, OMIM 180200, HP:0009919. Disease mechanism: loss of function. Inheritance: Both sporadic and heritable forms are tested..

Submission:

Genetic Diagnostic Laboratory, University of Pennsylvania School of Medicine
Classification: Pathogenic for Retinoblastoma. Last evaluated: 2024-05-20. Review status: criteria provided, single submitter. Criteria: ACMG Guidelines, 2015. Collection method: clinical testing. Allele origin: germline. Affected: yes. Observed: 1 variant allele.
Comment: Case and Pedigree Information: BILATERAL CASES:1, UNILATERAL CASES:0, TOTAL CASES:1, PEDIGREES:1. ACMG Codes Applied:PVS1, PM2

NM_000321.3(RB1):c.1133_1139del (p.Val378fs)

Gene: RB1 (RB transcriptional corepressor 1; plus strand). Cytogenetic location: 13q14.2.
Variant type: Deletion.
Coding change: c.1133_1139del on transcript NM_000321.3 (MANE Select); coding-DNA positions 1133 to 1139, 7 bases deleted (TTATGAA; older notation c.1133_1139delTTATGAA).
Protein change: p.Val378fs; shifts the reading frame from valine 378.
Molecular consequence: frameshift variant.
Genome position (GRCh38, 1-based): chr13:48,373,410-48,373,416, TTATGAA deleted. VCF-style (leftmost placement, unchanged base first): chr13-48373409-GTTATGAA-G. GRCh37 (hg19) VCF-style: chr13-48947545-GTTATGAA-G.
Other names: c.1133_1139del, p.Val378fs (NM_001407165.1, NM_001407166.1); short protein forms V378fs.
Identifiers: ClinVar variation 3236958 (VCV003236958.1), dbSNP rs2542194817.